The following is an entry in ClinVar:

ClinVar aggregate classification (germline): Uncertain significance (1 of 4 stars; one submission).

Allele frequency attached by ClinVar (database versions not stated): gnomAD exomes below 0.00001; ExAC 0.00001; gnomAD 0.00001; TOPMed 0.00001.
gnomAD v4.1: 3 of 1,614,060 alleles (0.00019%); highest among the groups gnomAD compares: African/African-American, 0.004%; no homozygotes.

Submission:

Labcorp Genetics (formerly Invitae), Labcorp
Classification: Uncertain significance. Last evaluated: 2022-09-04. Review status: criteria provided, single submitter. Criteria: Invitae Variant Classification Sherloc (09022015). Collection method: clinical testing. Allele origin: germline.
Comment: This variant has not been reported in the literature in individuals affected with COL4A1-related conditions. This variant is present in population databases (rs760910929, gnomAD 0.007%). This sequence change replaces proline, which is neutral and non-polar, with serine, which is neutral and polar, at codon 1571 of the COL4A1 protein (p.Pro1571Ser). Algorithms developed to predict the effect of missense changes on protein structure and function are either unavailable or do not agree on the potential impact of this missense change (SIFT: "Deleterious"; PolyPhen-2: "Not Available"; Align-GVGD: "Class C65"). In summary, the available evidence is currently insufficient to determine the role of this variant in disease. Therefore, it has been classified as a Variant of Uncertain Significance.

NM_001845.6(COL4A1):c.4711C>T (p.Pro1571Ser)

Gene: COL4A1 (collagen type IV alpha 1 chain; minus strand). Cytogenetic location: 13q34.
Variant type: single nucleotide variant.
Coding change: c.4711C>T on transcript NM_001845.6 (MANE Select); coding-DNA position 4711, C replaced by T.
Protein change: p.Pro1571Ser; replaces proline 1571 with serine.
Molecular consequence: missense variant.
Genome position (GRCh38, 1-based): chr13:110,155,327, G>A on the plus strand (C>T on the coding strand, the complement: COL4A1 is on the minus strand). VCF-style: chr13-110155327-G-A. GRCh37 (hg19) VCF-style: chr13-110807674-G-A.
Other names: short protein forms P1571S.
Identifiers: ClinVar variation 1924773 (VCV001924773.5), dbSNP rs760910929, ClinGen allele CA7046841.